The following is an entry in ClinVar:

NM_005121.3(MED13):c.3882G>C (p.Gln1294His)

Gene: MED13 (mediator complex subunit 13; minus strand). Cytogenetic location: 17q23.2.
Variant type: single nucleotide variant.
Coding change: c.3882G>C on transcript NM_005121.3 (MANE Select); coding-DNA position 3882, G replaced by C.
Protein change: p.Gln1294His; replaces glutamine 1294 with histidine.
Molecular consequence: missense variant.
Genome position (GRCh38, 1-based): chr17:61,972,812, C>G on the plus strand (G>C on the coding strand, the complement: MED13 is on the minus strand). VCF-style: chr17-61972812-C-G. GRCh37 (hg19) VCF-style: chr17-60050173-C-G.
Other names: short protein forms Q1294H.
Identifiers: ClinVar variation 3900064 (VCV003900064.1).

ClinVar aggregate classification (germline): Uncertain significance (1 of 4 stars; one submission).

Submission:

GeneDx
Classification: Uncertain significance. Last evaluated: 2024-11-21. Review status: criteria provided, single submitter. Criteria: GeneDx Variant Classification Process June 2021. Collection method: clinical testing. Allele origin: germline. Affected: yes.
Comment: Not observed at significant frequency in large population cohorts (gnomAD); In silico analysis indicates that this missense variant does not alter protein structure/function; Has not been previously published as pathogenic or benign to our knowledge